The following is an entry in ClinVar:

NM_002693.3(POLG):c.3305A>C (p.Gln1102Pro)

Gene: POLG (DNA polymerase gamma, catalytic subunit; minus strand). Cytogenetic location: 15q26.1.
Variant type: single nucleotide variant.
Coding change: c.3305A>C on transcript NM_002693.3 (MANE Select); coding-DNA position 3305, A replaced by C.
Protein change: p.Gln1102Pro; replaces glutamine 1102 with proline.
Molecular consequence: missense variant.
Genome position (GRCh38, 1-based): chr15:89,318,718, T>G on the plus strand (A>C on the coding strand, the complement: POLG is on the minus strand). VCF-style: chr15-89318718-T-G. GRCh37 (hg19) VCF-style: chr15-89861949-T-G.
Other names: c.3305A>C, p.Gln1102Pro (NM_001126131.2); short protein forms Q1102P.
Identifiers: ClinVar variation 1918060 (VCV001918060.5), dbSNP rs2509203709, ClinGen allele CA393750112.

ClinVar aggregate classification (germline): Likely pathogenic (1 of 4 stars; one submission).

Conditions:
Progressive sclerosing poliodystrophy (MTDPS4A). Also called: Alpers-Huttenlocher Syndrome; Mitochondrial DNA Depletion Syndrome 4A; ALPERS PROGRESSIVE INFANTILE POLIODYSTROPHY; NEURONAL DEGENERATION OF CHILDHOOD WITH LIVER DISEASE, PROGRESSIVE; Alpers-Huttenlocher Syndrome (AHS); Alpers Syndrome. Identifiers: Orphanet 726, MedGen C0205710, MONDO:0008758, OMIM 203700.

Submission:

Labcorp Genetics (formerly Invitae), Labcorp
Classification: Likely pathogenic for Progressive sclerosing poliodystrophy. Last evaluated: 2024-10-22. Review status: criteria provided, single submitter. Criteria: Invitae Variant Classification Sherloc (09022015). Collection method: clinical testing. Allele origin: germline.
Comment: This sequence change replaces glutamine, which is neutral and polar, with proline, which is neutral and non-polar, at codon 1102 of the POLG protein (p.Gln1102Pro). This variant is not present in population databases (gnomAD no frequency). This missense change has been observed in individual(s) with clinical features of autosomal recessive POLG-related conditions (PMID: 31731261, 34062649). In at least one individual the data is consistent with being in trans (on the opposite chromosome) from a pathogenic variant. ClinVar contains an entry for this variant (Variation ID: 1918060). Invitae Evidence Modeling of protein sequence and biophysical properties (such as structural, functional, and spatial information, amino acid conservation, physicochemical variation, residue mobility, and thermodynamic stability) indicates that this missense variant is expected to disrupt POLG protein function with a positive predictive value of 95%. In summary, the currently available evidence indicates that the variant is pathogenic, but additional data are needed to prove that conclusively. Therefore, this variant has been classified as Likely Pathogenic.

Literature cited by the submitters: PubMed 31731261; PubMed 34062649.